The following is an entry in ClinVar:

NM_001127644.2(GABRA1):c.1159G>A (p.Ala387Thr)

Gene: GABRA1 (gamma-aminobutyric acid type A receptor subunit alpha1; plus strand). Cytogenetic location: 5q34.
Variant type: single nucleotide variant.
Coding change: c.1159G>A on transcript NM_001127644.2 (MANE Select); coding-DNA position 1159, G replaced by A.
Protein change: p.Ala387Thr; replaces alanine 387 with threonine.
Molecular consequence: missense variant.
Genome position (GRCh38, 1-based): chr5:161,897,210, G>A. VCF-style: chr5-161897210-G-A. GRCh37 (hg19) VCF-style: chr5-161324216-G-A.
Other names: c.1159G>A, p.Ala387Thr (NM_000806.5, NM_001127643.2, NM_001127645.2 and 1 more transcripts); short protein forms A387T.
Identifiers: ClinVar variation 2656020 (VCV002656020.24), dbSNP rs1561588765, ClinGen allele CA362180776.

ClinVar aggregate classification (germline): Uncertain significance (1 of 4 stars; one submission).

gnomAD v4.1: 1 of 1,614,088 alleles (0.000062%); highest among the groups gnomAD compares: Non-Finnish European, 0.000085%; no homozygotes.

Submission:

CeGaT Center for Human Genetics Tuebingen
Classification: Uncertain significance. Last evaluated: 2023-10-01. Review status: criteria provided, single submitter. Criteria: CeGaT Center For Human Genetics Tuebingen Variant Classification Criteria Version 2. Collection method: clinical testing. Allele origin: germline. Affected: yes. Observed: 1 variant allele.
Comment: GABRA1: PM2